The following is an entry in ClinVar:

ClinVar aggregate classification (germline): Likely benign. Review status: criteria provided, multiple submitters, no conflicts (2 of 4 stars). 3 submissions from 3 submitters: Likely benign (2). 1 of the submissions does not count toward it. Last evaluated 2025-12-29.

Conditions:
Focal segmental glomerulosclerosis 6 (FSGS6). Identifiers: Orphanet 656, MedGen C3279905, MONDO:0013589, OMIM 614131.
MYO1E-related disorder. Also called: MYO1E-related condition.

Allele frequency attached by ClinVar (database versions not stated): gnomAD exomes 0.00003 and 0.00006; ExAC 0.00006; gnomAD 0.00020 and 0.00021; TOPMed 0.00022; 1000 Genomes Project 0.00040; 1000 Genomes Project 30x 0.00047.
gnomAD v4.1: 70 of 1,610,070 alleles (0.0043%); highest among the groups gnomAD compares: African/African-American, 0.08%; no homozygotes.

Submissions (3):

Labcorp Genetics (formerly Invitae), Labcorp
Classification: Likely benign. Last evaluated: 2025-12-29. Review status: criteria provided, single submitter. Criteria: Invitae Variant Classification Sherloc (09022015). Collection method: clinical testing. Allele origin: germline.

Fulgent Genetics
Classification: Likely benign for Focal segmental glomerulosclerosis 6. Last evaluated: 2022-05-31. Review status: criteria provided, single submitter. Criteria: ACMG Guidelines, 2015. Collection method: clinical testing. Allele origin: unknown.

PreventionGenetics, part of Exact Sciences
Classification: Likely benign for MYO1E-related condition. Last evaluated: 2023-01-27. Review status: no assertion criteria provided. Collection method: clinical testing. Allele origin: germline. Not counted in ClinVar's aggregate classification.
Comment: This variant is classified as likely benign based on ACMG/AMP sequence variant interpretation guidelines (Richards et al. 2015 PMID: 25741868, with internal and published modifications).

NM_004998.4(MYO1E):c.1805+7G>A

Gene: MYO1E (myosin IE; minus strand). Cytogenetic location: 15q22.2.
Variant type: single nucleotide variant.
Coding change: c.1805+7G>A on transcript NM_004998.4 (MANE Select); 7 bases into the intron after coding-DNA position 1805, G replaced by A.
Molecular consequence: intron variant.
Genome position (GRCh38, 1-based): chr15:59,195,454, C>T on the plus strand (G>A on the coding strand, the complement: MYO1E is on the minus strand). VCF-style: chr15-59195454-C-T. GRCh37 (hg19) VCF-style: chr15-59487653-C-T.
Other names: c.1805+7G>A (NM_004998.3).
Identifiers: ClinVar variation 1592383 (VCV001592383.11), dbSNP rs561678142, ClinGen allele CA7589496.